The following is an entry in ClinVar:

NM_001368809.2(AMPD2):c.2101C>G (p.Arg701Gly)

Gene: AMPD2 (adenosine monophosphate deaminase 2; plus strand). Cytogenetic location: 1p13.3.
Variant type: single nucleotide variant.
Coding change: c.2101C>G on transcript NM_001368809.2 (MANE Select); coding-DNA position 2101, C replaced by G.
Protein change: p.Arg701Gly; replaces arginine 701 with glycine.
Molecular consequence: missense variant.
Genome position (GRCh38, 1-based): chr1:109,630,350, C>G. VCF-style: chr1-109630350-C-G. GRCh37 (hg19) VCF-style: chr1-110172972-C-G.
Other names: c.1909C>G, p.Arg637Gly (NM_001257361.2); c.2038C>G, p.Arg680Gly (NM_001308170.1); c.2101C>G, p.Arg701Gly (NM_004037.9); c.2020C>G, p.Arg674Gly (NM_139156.4); short protein forms R674G, R701G, R680G, R637G.
Identifiers: ClinVar variation 1496120 (VCV001496120.6), dbSNP rs1264297138, ClinGen allele CA341562628.

ClinVar aggregate classification (germline): Uncertain significance (1 of 4 stars; one submission).

Conditions:
Hereditary spastic paraplegia 63. Also called: Spastic paraplegia 63, autosomal recessive. Identifiers: Orphanet 401805, MedGen C3810295, MONDO:0014305, OMIM 615686.
Pontocerebellar hypoplasia type 9. Identifiers: Orphanet 369920, MedGen C4014354, MONDO:0014351, OMIM 615809.

Submission:

Labcorp Genetics (formerly Invitae), Labcorp
Classification: Uncertain significance for Pontocerebellar hypoplasia type 9; Hereditary spastic paraplegia 63. Last evaluated: 2022-12-06. Review status: criteria provided, single submitter. Criteria: Invitae Variant Classification Sherloc (09022015). Collection method: clinical testing. Allele origin: germline.
Comment: This sequence change replaces arginine, which is basic and polar, with glycine, which is neutral and non-polar, at codon 755 of the AMPD2 protein (p.Arg755Gly). This variant is not present in population databases (gnomAD no frequency). This variant has not been reported in the literature in individuals affected with AMPD2-related conditions. ClinVar contains an entry for this variant (Variation ID: 1496120). Algorithms developed to predict the effect of missense changes on protein structure and function are either unavailable or do not agree on the potential impact of this missense change (SIFT: "Deleterious"; PolyPhen-2: "Probably Damaging"; Align-GVGD: "Class C0"). In summary, the available evidence is currently insufficient to determine the role of this variant in disease. Therefore, it has been classified as a Variant of Uncertain Significance.